The following is an entry in ClinVar:

ClinVar aggregate classification (germline): Uncertain significance (1 of 4 stars; one submission).

gnomAD v4.1: 7 of 1,207,657 alleles (0.00058%); highest among the groups gnomAD compares: African/African-American, 0.011%; no homozygotes.

Submission:

GeneDx
Classification: Uncertain significance. Last evaluated: 2023-05-25. Review status: criteria provided, single submitter. Criteria: GeneDx Variant Classification Process June 2021. Collection method: clinical testing. Allele origin: germline. Affected: yes.
Comment: Not observed at significant frequency in large population cohorts (gnomAD); In silico analysis supports that this missense variant does not alter protein structure/function; Has not been previously published as pathogenic or benign to our knowledge

NM_001081550.2(THOC2):c.4240A>G (p.Thr1414Ala)

Gene: THOC2 (THO complex subunit 2; minus strand). Cytogenetic location: Xq25.
Variant type: single nucleotide variant.
Coding change: c.4240A>G on transcript NM_001081550.2 (MANE Select); coding-DNA position 4240, A replaced by G.
Protein change: p.Thr1414Ala; replaces threonine 1414 with alanine.
Molecular consequence: missense variant.
Genome position (GRCh38, 1-based): chrX:123,620,942, T>C on the plus strand (A>G on the coding strand, the complement: THOC2 is on the minus strand). VCF-style: chrX-123620942-T-C. GRCh37 (hg19) VCF-style: chrX-122754793-T-C.
Other names: short protein forms T1414A.
Identifiers: ClinVar variation 3362076 (VCV003362076.1).